The following is an entry in ClinVar:

NC_000022.10:g.(?_18074901)_(18111589_?)del

Gene: ATP6V1E1 (ATPase H+ transporting V1 subunit E1; minus strand). Cytogenetic location: 22q11.21.
Variant type: Deletion.
Identifiers: ClinVar variation 2503976 (VCV002503976.1).

ClinVar aggregate classification (germline): Uncertain significance (1 of 4 stars; one submission).

Submission:

Women's Health and Genetics/Laboratory Corporation of America, LabCorp
Classification: Uncertain significance. Last evaluated: 2023-04-14. Review status: criteria provided, single submitter. Criteria: LabCorp Variant Classification Summary - May 2015. Collection method: clinical testing. Allele origin: germline.
Comment: Variant summary: The variant identified by MLPA or other technology involves a deletion encompassing the entire coding region the of ATP6V1E1 gene. A presumed nomenclature of c.(?_-188)_(*539_?)del has been designated for the purposes of this classification. Since the exact breakpoints of this deletion are not known, it might extend beyond the assayed region of the ATP6V1E1 gene. The variant was absent in 21624 control chromosomes (gnomAD, structural variants dataset). To our knowledge, no occurrence of c.(?_-188)_(*539_?)del in individuals affected with ATP6V1E1-Related Cutis Laxa and no experimental evidence demonstrating its impact on protein function have been reported. Currently there is insufficient clinical and functional evidence to establish loss of function as a mechanism of disease in this gene. One clinical diagnostic laboratory has submitted a clinical-significance assessment for this variant to ClinVar after 2014 and classified the variant as uncertain significance. Based on the evidence outlined above, the variant was classified as uncertain significance.